The following is an entry in ClinVar:

NM_006947.4(SRP72):c.1283T>C (p.Val428Ala)

Gene: SRP72 (signal recognition particle 72; plus strand). Cytogenetic location: 4q12.
Variant type: single nucleotide variant.
Coding change: c.1283T>C on transcript NM_006947.4 (MANE Select); coding-DNA position 1283, T replaced by C.
Protein change: p.Val428Ala; replaces valine 428 with alanine.
Molecular consequence: missense variant. On other transcripts: non-coding transcript variant (1).
Genome position (GRCh38, 1-based): chr4:56,489,446, T>C. VCF-style: chr4-56489446-T-C. GRCh37 (hg19) VCF-style: chr4-57355612-T-C.
Other names: c.1100T>C, p.Val367Ala (NM_001267722.2); short protein forms V428A, V367A.
Identifiers: ClinVar variation 3962122 (VCV003962122.1).

ClinVar aggregate classification (germline): Uncertain significance (1 of 4 stars; one submission).

Submission:

Ambry Genetics
Classification: Uncertain significance. Last evaluated: 2025-05-24. Review status: criteria provided, single submitter. Criteria: Ambry Variant Classification Scheme 2023. Collection method: clinical testing. Allele origin: germline.
Comment: The p.V428A variant (also known as c.1283T>C), located in coding exon 13 of the SRP72 gene, results from a T to C substitution at nucleotide position 1283. The valine at codon 428 is replaced by alanine, an amino acid with similar properties. This amino acid position is conserved. In addition, the in silico prediction for this alteration is inconclusive. Based on the available evidence, the clinical significance of this variant remains unclear.